The following is an entry in ClinVar:

NM_012414.4(RAB3GAP2):c.3081T>C (p.Asp1027=)

Gene: RAB3GAP2 (RAB3 GTPase activating non-catalytic protein subunit 2; minus strand). Cytogenetic location: 1q41.
Variant type: single nucleotide variant.
Coding change: c.3081T>C on transcript NM_012414.4 (MANE Select); coding-DNA position 3081, T replaced by C.
Protein change: p.Asp1027=; no amino-acid change (aspartic acid 1027 retained).
Molecular consequence: synonymous variant.
Genome position (GRCh38, 1-based): chr1:220,167,299, A>G on the plus strand (T>C on the coding strand, the complement: RAB3GAP2 is on the minus strand). VCF-style: chr1-220167299-A-G. GRCh37 (hg19) VCF-style: chr1-220340641-A-G.
Identifiers: ClinVar variation 2639911 (VCV002639911.24), dbSNP rs779690165, ClinGen allele CA1402270.

ClinVar aggregate classification (germline): Likely benign (1 of 4 stars; one submission).

Allele frequency attached by ClinVar (database versions not stated): gnomAD exomes below 0.00001; gnomAD 0.00001; ExAC 0.00002.
gnomAD v4.1: 3 of 1,613,364 alleles (0.00019%); highest among the groups gnomAD compares: Non-Finnish European, 0.00025%; no homozygotes.

Submission:

CeGaT Center for Human Genetics Tuebingen
Classification: Likely benign. Last evaluated: 2022-07-01. Review status: criteria provided, single submitter. Criteria: CeGaT Center For Human Genetics Tuebingen Variant Classification Criteria Version 2. Collection method: clinical testing. Allele origin: germline. Affected: yes. Observed: 1 variant allele.
Comment: RAB3GAP2: BP4, BP7